The following is an entry in ClinVar:

ClinVar aggregate classification (germline): Benign/Likely benign. Review status: criteria provided, multiple submitters, no conflicts (2 of 4 stars). 3 submissions from 3 submitters: Benign (1); Likely benign (1). 1 of the submissions does not count toward it. Last evaluated 2025-09-08.

Conditions:
NLRP12-related disorder. Also called: NLRP12-related conditions; NLRP12-related condition.
Familial cold autoinflammatory syndrome 2 (FCAS2). Identifiers: Orphanet 247868, MedGen C2673198, MONDO:0012724, OMIM 611762.

Allele frequency attached by ClinVar (database versions not stated): gnomAD exomes 0.00004; gnomAD 0.00005; TOPMed 0.00006; ExAC 0.00013; ESP Exome Variant Server 0.00015.
gnomAD v4.1: 76 of 1,614,026 alleles (0.0047%); highest among the groups gnomAD compares: Non-Finnish European, 0.00068%; no homozygotes.

Submissions (3):

Labcorp Genetics (formerly Invitae), Labcorp
Classification: Benign for Familial cold autoinflammatory syndrome 2. Last evaluated: 2025-09-08. Review status: criteria provided, single submitter. Criteria: Invitae Variant Classification Sherloc (09022015). Collection method: clinical testing. Allele origin: germline.

Blueprint Genetics
Classification: Likely benign. Last evaluated: 2020-01-16. Review status: criteria provided, single submitter. Criteria: ACMG Guidelines, 2015. Collection method: clinical testing. Allele origin: germline.

PreventionGenetics, part of Exact Sciences
Classification: Likely benign for NLRP12-related condition. Last evaluated: 2022-05-11. Review status: no assertion criteria provided. Collection method: clinical testing. Allele origin: germline. Not counted in ClinVar's aggregate classification.
Comment: This variant is classified as likely benign based on ACMG/AMP sequence variant interpretation guidelines (Richards et al. 2015 PMID: 25741868, with internal and published modifications).

NM_144687.4(NLRP12):c.1204T>C (p.Phe402Leu)

Gene: NLRP12 (NLR family pyrin domain containing 12; minus strand). Cytogenetic location: 19q13.42.
Variant type: single nucleotide variant.
Coding change: c.1204T>C on transcript NM_144687.4 (MANE Select); coding-DNA position 1204, T replaced by C.
Protein change: p.Phe402Leu; replaces phenylalanine 402 with leucine.
Molecular consequence: missense variant.
Genome position (GRCh38, 1-based): chr19:53,810,455, A>G on the plus strand (T>C on the coding strand, the complement: NLRP12 is on the minus strand). VCF-style: chr19-53810455-A-G. GRCh37 (hg19) VCF-style: chr19-54313709-A-G.
Other names: c.1204T>C, p.Phe402Leu (NM_001277126.2, NM_001277129.1); c.1204T>C (NM_144687.3); short protein forms F402L.
Identifiers: ClinVar variation 2183906 (VCV002183906.7), dbSNP rs199985574, ClinGen allele CA9639500.